The following is an entry in ClinVar:

NM_000428.3(LTBP2):c.2428+1G>A

Gene: LTBP2 (latent transforming growth factor beta binding protein 2; minus strand). Cytogenetic location: 14q24.3.
Variant type: single nucleotide variant.
Coding change: c.2428+1G>A on transcript NM_000428.3 (MANE Select); the canonical splice donor site of the intron after coding-DNA position 2428, G replaced by A.
Molecular consequence: splice donor variant.
Genome position (GRCh38, 1-based): chr14:74,526,074, C>T on the plus strand (G>A on the coding strand, the complement: LTBP2 is on the minus strand). VCF-style: chr14-74526074-C-T. GRCh37 (hg19) VCF-style: chr14-74992777-C-T.
Identifiers: ClinVar variation 1331373 (VCV001331373.1), dbSNP rs2139715414, ClinGen allele CA390393025.

ClinVar aggregate classification (germline): Likely pathogenic (1 of 4 stars; one submission).

Conditions:
Microspherophakia. Identifiers: MedGen C1562061, HP:0030961.

Submission:

Women's Health and Genetics/Laboratory Corporation of America, LabCorp
Classification: Likely pathogenic for Microspherophakia. Last evaluated: 2021-12-08. Review status: criteria provided, single submitter. Criteria: LabCorp Variant Classification Summary - May 2015. Collection method: clinical testing. Allele origin: germline.
Comment: Variant summary: LTBP2 c.2428+1G>A is located in a canonical splice-site and is predicted to affect mRNA splicing resulting in a significantly altered protein due to either exon skipping, shortening, or inclusion of intronic material. Several computational tools predict a significant impact on normal splicing: 4/4 predict the variant abolishes a 5' splicing donor site. However, these predictions have yet to be confirmed by functional studies. The variant was absent in 233860 control chromosomes (gnomAD). To our knowledge, no occurrence of c.2428+1G>A in individuals affected with Microspherophakia and no experimental evidence demonstrating its impact on protein function have been reported. No clinical diagnostic laboratories have submitted clinical-significance assessments for this variant to ClinVar after 2014. Based on the evidence outlined above, the variant was classified as likely pathogenic.